The following is an entry in ClinVar:

NC_000011.10:g.(?_44124769)_(44126975_?)del

Gene: EXT2 (exostosin glycosyltransferase 2; plus strand). Cytogenetic location: 11p11.2.
Variant type: Deletion.
Identifiers: ClinVar variation 833010 (VCV000833010.8).

ClinVar aggregate classification (germline): Pathogenic (1 of 4 stars; one submission).

Conditions:
Exostoses, multiple, type 2 (EXT2). Also called: Hereditary Multiple Osteochondromatosis, Type II; EXOSTOSES, MULTIPLE, TYPE II. Identifiers: Orphanet 321, MedGen C1851413, MONDO:0007586, OMIM 133701.

Submission:

Labcorp Genetics (formerly Invitae), Labcorp
Classification: Pathogenic for Exostoses, multiple, type 2. Last evaluated: 2019-12-30. Review status: criteria provided, single submitter. Criteria: Invitae Variant Classification Sherloc (09022015). Collection method: clinical testing. Allele origin: germline.
Comment: For these reasons, this variant has been classified as Pathogenic. This variant disrupts the p.Cys339 amino acid residue in EXT2. Other variant(s) that disrupt this residue have been determined to be pathogenic (PMID: 30334991, 19839753). This suggests that this residue is clinically significant, and that variants that disrupt this residue are likely to be disease-causing. This variant has been observed in individual(s) with multiple osteochondromatosis (Invitae). This variant is an in-frame deletion of the genomic region encompassing exons 5-6 of the EXT2 gene. It preserves the integrity of the reading frame.

Literature cited by the submitters: PubMed 30334991; PubMed 19839753.